The following is an entry in ClinVar:

ClinVar aggregate classification (germline): Benign (1 of 4 stars; one submission).

Conditions:
Multiple endocrine neoplasia, type 1 (MEN1). Also called: MEN I; WERMER SYNDROME; Endocrine adenomatosis multiple; MEN 1; MEA I. Identifiers: Orphanet 652, MedGen C0025267, MeSH D018761, MONDO:0007540, OMIM 131100.

gnomAD v4.1: 3 of 1,597,340 alleles (0.00019%); highest among the groups gnomAD compares: Non-Finnish European, 0.00025%; no homozygotes.

Submission:

Myriad Genetics, Inc.
Classification: Benign for Multiple endocrine neoplasia, type 1. Last evaluated: 2024-11-05. Review status: criteria provided, single submitter. Criteria: Myriad Autosomal Dominant, Autosomal Recessive and X-Linked Classification Criteria (2023). Collection method: clinical testing. Allele origin: unknown.
Comment: This variant is considered benign. This variant is a silent/synonymous amino acid change and it is not expected to impact splicing.

NM_001370259.2(MEN1):c.1368C>T (p.Arg456=)

Gene: MEN1 (menin 1; minus strand). Cytogenetic location: 11q13.1.
Variant type: single nucleotide variant.
Coding change: c.1368C>T on transcript NM_001370259.2 (MANE Select); coding-DNA position 1368, C replaced by T.
Protein change: p.Arg456=; no amino-acid change (arginine 456 retained).
Molecular consequence: synonymous variant. On other transcripts: non-coding transcript variant (4).
Genome position (GRCh38, 1-based): chr11:64,804,799, G>A on the plus strand (C>T on the coding strand, the complement: MEN1 is on the minus strand). VCF-style: chr11-64804799-G-A. GRCh37 (hg19) VCF-style: chr11-64572271-G-A.
Other names: c.1383C>T, p.Arg461= (NM_000244.4, NM_001407145.1, NM_130800.3 and 4 more transcripts); c.1494C>T, p.Arg498= (NM_001370251.2, NM_001407142.1, NM_001407143.1 and 1 more transcripts); c.1368C>T, p.Arg456= (NM_001370260.2, NM_001370261.2, NM_001407146.1 and 2 more transcripts); c.1263C>T, p.Arg421= (NM_001370262.2, NM_001370263.2, NM_001407148.1 and 1 more transcripts); c.1509C>T, p.Arg503= (NM_001407150.1); c.1389C>T, p.Arg463= (NM_001407151.1); c.1203C>T, p.Arg401= (NM_001407152.1).
Identifiers: ClinVar variation 3773459 (VCV003773459.1).